The following is an entry in ClinVar:

NM_000136.3(FANCC):c.556G>A (p.Val186Ile)

Genes: FANCC (FA complementation group C; minus strand), AOPEP (aminopeptidase O (putative); plus strand). Cytogenetic location: 9q22.32.
Variant type: single nucleotide variant.
Coding change: c.556G>A on transcript NM_000136.3 (MANE Select); coding-DNA position 556, G replaced by A.
Protein change: p.Val186Ile; replaces valine 186 with isoleucine.
Molecular consequence: missense variant.
Genome position (GRCh38, 1-based): chr9:95,150,053, C>T on the plus strand (G>A on the coding strand, the complement: FANCC is on the minus strand). VCF-style: chr9-95150053-C-T. GRCh37 (hg19) VCF-style: chr9-97912335-C-T.
Other names: p.V186I:GTT>ATT; c.556G>A, p.Val186Ile (NM_001243743.2, NM_001243744.2); short protein forms V186I.
Identifiers: ClinVar variation 182473 (VCV000182473.7), dbSNP rs730881713, ClinGen allele CA299148.
Genomic context (GRCh38, chr9:95,150,053, plus strand): 5'-AGATGAGGAGAGCCTCCACCAGGGGGTCAACATCTGTCAGGGTAATAAGTGGGACACAAA[C>T]TCGTGACAGGGACGCCACTCGCTCGGGAGCCATTCTATGGAAGAAATAAGAAATAATCAC-3'
Protein context (NP_000127.2, residues 176-196): APERVASLSR[Val186Ile]CVPLITLTDV

ClinVar aggregate classification (germline): Uncertain significance. Review status: criteria provided, multiple submitters, no conflicts (2 of 4 stars). 4 submissions from 4 submitters: Uncertain significance (3). 1 of the submissions does not count toward it. Last evaluated 2025-09-06.

Conditions:
Hereditary cancer-predisposing syndrome. Also called: Tumor predisposition; Hereditary Cancer Syndrome; Hereditary neoplastic syndrome; Neoplastic Syndromes, Hereditary. Identifiers: Orphanet 140162, MedGen C0027672, MeSH D009386, MONDO:0015356.
Fanconi anemia (FA). Also called: Fanconi's anemia. Identifiers: Orphanet 84, MedGen C0015625, MeSH D005199, MONDO:0019391.
Fanconi anemia complementation group C (FANCC). Also called: FANCONI PANCYTOPENIA, TYPE 3; FACC; FANCC-Related Fanconi Anemia; Fanconi anemia, group C. Identifiers: Orphanet 84, MedGen C3468041, MONDO:0009213, OMIM 227645.

Allele frequency attached by ClinVar (database versions not stated): gnomAD exomes below 0.00001 and 0.00001.
gnomAD v4.1: 4 of 1,614,100 alleles (0.00025%); highest among the groups gnomAD compares: Admixed American, 0.0017%; no homozygotes.

Submissions (4):

Ambry Genetics
Classification: Uncertain significance for Hereditary cancer-predisposing syndrome. Last evaluated: 2025-09-06. Review status: criteria provided, single submitter. Criteria: Ambry Variant Classification Scheme 2023. Collection method: clinical testing. Allele origin: germline.
Comment: The p.V186I variant (also known as c.556G>A), located in coding exon 6 of the FANCC gene, results from a G to A substitution at nucleotide position 556. The valine at codon 186 is replaced by isoleucine, an amino acid with highly similar properties. This amino acid position is conserved. In addition, this alteration is predicted to be tolerated by in silico analysis. Since supporting evidence is limited at this time, the clinical significance of this alteration remains unclear.

Fulgent Genetics
Classification: Uncertain significance for Fanconi anemia complementation group C. Last evaluated: 2024-06-13. Review status: criteria provided, single submitter. Criteria: ACMG Guidelines, 2015. Collection method: clinical testing. Allele origin: germline.

GeneDx
Classification: Uncertain significance. Last evaluated: 2014-06-10. Review status: criteria provided, single submitter. Criteria: GeneDx Variant Classification (06012015). Collection method: clinical testing. Allele origin: germline. Affected: yes.
Comment: This variant is denoted FANCC c.556G>A at the cDNA level, p.Val186Ile (V186I) at the protein level, and results in the change of a Valine to an Isoleucine (GTT>ATT). This variant has not, to our knowledge, been published in the literature as pathogenic or benign. FANCC Val186Ile was not observed in approximately 6,500 individuals of European and African American ancestry in the NHLBI Exome Sequencing Project, indicating it is not a common benign variant in these populations. Since Valine and Isoleucine share similar properties, this is considered a conservative amino acid substitution. FANCC Val186Ile occurs at a position that is moderately conserved across mammals and is located in the GRP94 and Hsp70 binding domains (Gordon and Buchwald 2000). In addition, in silico analyses predict that this variant is unlikely to alter protein structure or function. Based on currently available information, it is unclear whether FANCC Val186Ile is pathogenic or benign. We consider it to be a variant of uncertain significance.

Natera, Inc.
Classification: Uncertain significance for Fanconi anemia. Last evaluated: 2021-08-19. Review status: no assertion criteria provided. Collection method: clinical testing. Allele origin: germline. Not counted in ClinVar's aggregate classification.